The following is an entry in ClinVar:

NM_013382.7(POMT2):c.322C>T (p.Pro108Ser)

Gene: POMT2 (protein O-mannosyltransferase 2; minus strand). Cytogenetic location: 14q24.3.
Variant type: single nucleotide variant.
Coding change: c.322C>T on transcript NM_013382.7 (MANE Select); coding-DNA position 322, C replaced by T.
Protein change: p.Pro108Ser; replaces proline 108 with serine.
Molecular consequence: missense variant.
Genome position (GRCh38, 1-based): chr14:77,311,960, G>A on the plus strand (C>T on the coding strand, the complement: POMT2 is on the minus strand). VCF-style: chr14-77311960-G-A. GRCh37 (hg19) VCF-style: chr14-77778303-G-A.
Other names: short protein forms P108S.
Identifiers: ClinVar variation 471394 (VCV000471394.7), dbSNP rs1555355402, ClinGen allele CA390502570.

ClinVar aggregate classification (germline): Uncertain significance (1 of 4 stars; one submission).

Conditions:
Muscular dystrophy-dystroglycanopathy (congenital with brain and eye anomalies), type A2. Also called: MUSCULAR DYSTROPHY-DYSTROGLYCANOPATHY (CONGENITAL WITH BRAIN AND EYE ANOMALIES), TYPE A, 2; WALKER-WARBURG SYNDROME OR MUSCLE-EYE-BRAIN DISEASE, POMT2-RELATED. Identifiers: Orphanet 588, Orphanet 899, MedGen C3150411, MONDO:0013154, OMIM 613150.
Muscular dystrophy-dystroglycanopathy (congenital with impaired intellectual development), type B, 2. Also called: Muscular dystrophy-dystroglycanopathy (congenital with intellectual disability), type B2; MUSCULAR DYSTROPHY, CONGENITAL, POMT2-RELATED. Identifiers: MedGen C3150416, MONDO:0013160, OMIM 613156.
Autosomal recessive limb-girdle muscular dystrophy type 2N. Also called: Muscular dystrophy-dystroglycanopathy (limb-girdle), type C, 2; MUSCULAR DYSTROPHY-DYSTROGLYCANOPATHY, LIMB-GIRDLE, POMT2-RELATED. Identifiers: Orphanet 206559, MedGen C3150418, MONDO:0013162, OMIM 613158.

Allele frequency attached by ClinVar (database versions not stated): gnomAD exomes below 0.00001; TOPMed 0.00001.
gnomAD v4.1: 2 of 1,614,058 alleles (0.00012%); highest among the groups gnomAD compares: South Asian, 0.0011%; no homozygotes.

Submission:

Labcorp Genetics (formerly Invitae), Labcorp
Classification: Uncertain significance for Muscular dystrophy-dystroglycanopathy (congenital with impaired intellectual development), type B, 2; Muscular dystrophy-dystroglycanopathy (congenital with brain and eye anomalies), type A2; Autosomal recessive limb-girdle muscular dystrophy type 2N. Last evaluated: 2021-09-01. Review status: criteria provided, single submitter. Criteria: Invitae Variant Classification Sherloc (09022015). Collection method: clinical testing. Allele origin: germline.
Comment: This sequence change replaces proline with serine at codon 108 of the POMT2 protein (p.Pro108Ser). The proline residue is highly conserved and there is a moderate physicochemical difference between proline and serine. This variant is not present in population databases (ExAC no frequency). This variant has not been reported in the literature in individuals affected with POMT2-related conditions. Algorithms developed to predict the effect of missense changes on protein structure and function (SIFT, PolyPhen-2, Align-GVGD) all suggest that this variant is likely to be disruptive. In summary, the available evidence is currently insufficient to determine the role of this variant in disease. Therefore, it has been classified as a Variant of Uncertain Significance.